The following is an entry in ClinVar:

ClinVar aggregate classification (germline): Uncertain significance. Review status: criteria provided, multiple submitters, no conflicts (2 of 4 stars). 2 submissions from 2 submitters: Uncertain significance (2). Last evaluated 2026-09-01.

Conditions:
Hypophosphatasia. Also called: Phosphoethanol-aminuria. Identifiers: Orphanet 436, MedGen C0020630, MeSH D007014, MONDO:0018570.

Submissions (2):

Genomenon, Inc
Classification: Uncertain significance for Hypophosphatasia. Last evaluated: 2026-09-01. Review status: criteria provided, single submitter. Criteria: Genomenon Sequence Variant Interpretation Standards - Updated. Collection method: curation. Allele origin: germline. Affected: no.
Comment: ALPL p.Pro409Ser (c.1225C>T) is a missense variant that changes the amino acid at codon 409 from Proline to Serine. This variant has been reported in the published literature (PMID:41042986;40386289). It is absent or not present at a significant frequency in gnomAD. In silico models predict that this variant is possibly or probably damaging. In conclusion, we classify ALPL p.Pro409Ser (c.1225C>T) as a variant of uncertain significance.

JKU Lab, Dept of Paediatrics, Johannes Kepler University
Classification: Uncertain significance for Hypophosphatasia. Last evaluated: 2022-07-20. Review status: criteria provided, single submitter. Criteria: ACMG Guidelines, 2015. Collection method: clinical testing. Allele origin: germline. Affected: yes. Observed: 1 heterozygote.
Comment: This variant is absent from large population studies. Functional studies performed at the JKU lab were inconclusive. The ACMG criteria applied and functional study results are in the ALPL Gene Variant Database.

Literature cited by the submitters: PubMed 41042986 (cited by Genomenon, Inc); PubMed 40386289 (cited by Genomenon, Inc).

NM_000478.6(ALPL):c.1225C>T (p.Pro409Ser)

Gene: ALPL (alkaline phosphatase, biomineralization associated; plus strand). Cytogenetic location: 1p36.12.
Variant type: single nucleotide variant.
Coding change: c.1225C>T on transcript NM_000478.6 (MANE Select); coding-DNA position 1225, C replaced by T.
Protein change: p.Pro409Ser; replaces proline 409 with serine.
Molecular consequence: missense variant.
Genome position (GRCh38, 1-based): chr1:21,576,557, C>T. VCF-style: chr1-21576557-C-T. GRCh37 (hg19) VCF-style: chr1-21903050-C-T.
Other names: c.1060C>T, p.Pro354Ser (NM_001127501.4); c.994C>T, p.Pro332Ser (NM_001177520.3); c.1225C>T, p.Pro409Ser (NM_001369803.2, NM_001369804.2, NM_001369805.2); short protein forms P332S, P354S, P409S.
Identifiers: ClinVar variation 2664939 (VCV002664939.2), dbSNP rs2545347254, ClinGen allele CA338881730.